The following is an entry in ClinVar:

NM_000183.3(HADHB):c.349A>G (p.Arg117Gly)

Gene: HADHB (hydroxyacyl-CoA dehydrogenase trifunctional multienzyme complex subunit beta; plus strand). Cytogenetic location: 2p23.3.
Variant type: single nucleotide variant.
Coding change: c.349A>G on transcript NM_000183.3 (MANE Select); coding-DNA position 349, A replaced by G.
Protein change: p.Arg117Gly; replaces arginine 117 with glycine.
Molecular consequence: missense variant.
Genome position (GRCh38, 1-based): chr2:26,273,745, A>G. VCF-style: chr2-26273745-A-G. GRCh37 (hg19) VCF-style: chr2-26496613-A-G.
Other names: c.304A>G, p.Arg102Gly (NM_001281512.2); c.283A>G, p.Arg95Gly (NM_001281513.2); short protein forms R102G, R117G, R95G.
Identifiers: ClinVar variation 4688381 (VCV004688381.1).

ClinVar aggregate classification (germline): Uncertain significance (1 of 4 stars; one submission).

gnomAD v4.1: 3 of 1,536,984 alleles (0.0002%); highest among the groups gnomAD compares: East Asian, 0.0023%; no homozygotes.

Submission:

Women's Health and Genetics/Laboratory Corporation of America, LabCorp
Classification: Uncertain significance. Last evaluated: 2025-12-11. Review status: criteria provided, single submitter. Criteria: LabCorp Variant Classification Summary - May 2015. Collection method: clinical testing. Allele origin: germline.
Comment: Variant summary: HADHB c.349A>G (p.Arg117Gly) results in a non-conservative amino acid change in the encoded protein sequence. Algorithms developed to predict the effect of missense changes on protein structure and function are either unavailable or do not agree on the potential impact of this missense change. The variant was absent in 251336 control chromosomes (gnomAD). c.349A>G has been observed in individuals affected with Mitochondrial Trifunctional Protein Deficiency (Spiekerkoetter_2003). These data indicate that the variant may be associated with disease. To our knowledge, no experimental evidence demonstrating an impact on protein function has been reported. The following publication has been ascertained in the context of this evaluation (PMID: 12754706). No submitters have cited clinical-significance assessments for this variant to ClinVar. Based on the evidence outlined above, the variant was classified as VUS-possibly pathogenic.

Literature cited by the submitters: PubMed 12754706.